The following is an entry in ClinVar:

ClinVar aggregate classification (germline): Uncertain significance (1 of 4 stars; one submission).

Conditions:
Primary ciliary dyskinesia. Also called: Ciliary dyskinesia. Identifiers: Orphanet 244, MedGen C0008780, MONDO:0016575, HP:0012265.

Allele frequency attached by ClinVar (database versions not stated): TOPMed below 0.00001; gnomAD 0.00001; gnomAD exomes 0.00003.
gnomAD v4.1: 51 of 1,613,934 alleles (0.0032%); highest among the groups gnomAD compares: Non-Finnish European, 0.0041%; no homozygotes.

Submission:

Labcorp Genetics (formerly Invitae), Labcorp
Classification: Uncertain significance for Primary ciliary dyskinesia. Last evaluated: 2022-06-13. Review status: criteria provided, single submitter. Criteria: Invitae Variant Classification Sherloc (09022015). Collection method: clinical testing. Allele origin: germline.
Comment: This sequence change replaces valine, which is neutral and non-polar, with isoleucine, which is neutral and non-polar, at codon 3750 of the DNAH5 protein (p.Val3750Ile). This variant is present in population databases (no rsID available, gnomAD 0.004%). This variant has not been reported in the literature in individuals affected with DNAH5-related conditions. Advanced modeling of protein sequence and biophysical properties (such as structural, functional, and spatial information, amino acid conservation, physicochemical variation, residue mobility, and thermodynamic stability) performed at Invitae indicates that this missense variant is not expected to disrupt DNAH5 protein function. In summary, the available evidence is currently insufficient to determine the role of this variant in disease. Therefore, it has been classified as a Variant of Uncertain Significance.

NM_001369.3(DNAH5):c.11248G>A (p.Val3750Ile)

Genes: DNAH5 (dynein axonemal heavy chain 5; minus strand), LOC107457585 (meiotic recombination hotspot J; plus strand). Cytogenetic location: 5p15.2.
Variant type: single nucleotide variant.
Coding change: c.11248G>A on transcript NM_001369.3 (MANE Select); coding-DNA position 11248, G replaced by A.
Protein change: p.Val3750Ile; replaces valine 3750 with isoleucine.
Molecular consequence: missense variant.
Genome position (GRCh38, 1-based): chr5:13,737,459, C>T on the plus strand (G>A on the coding strand, the complement: DNAH5 is on the minus strand). VCF-style: chr5-13737459-C-T. GRCh37 (hg19) VCF-style: chr5-13737568-C-T.
Other names: short protein forms V3750I.
Identifiers: ClinVar variation 1984084 (VCV001984084.1), dbSNP rs1209708350, ClinGen allele CA359228726.